The following is an entry in ClinVar:

ClinVar aggregate classification (germline): Benign. Review status: criteria provided, multiple submitters, no conflicts (2 of 4 stars). 3 submissions from 3 submitters: Benign (2). 1 of the submissions does not count toward it. Last evaluated 2018-10-17.

Conditions:
MYO16-related disorder. Also called: MYO16-related condition.

Allele frequency attached by ClinVar (database versions not stated): gnomAD exomes 0.00049 and 0.00118; ExAC 0.00132; gnomAD 0.00380 and 0.00407; TOPMed 0.00401; ESP Exome Variant Server 0.00446; 1000 Genomes Project 30x 0.00468; 1000 Genomes Project 0.00479.
gnomAD v4.1: 1,298 of 1,612,200 alleles (0.081%); highest among the groups gnomAD compares: African/African-American, 1.2%; 4 homozygotes.

Submissions (3):

Labcorp Genetics (formerly Invitae), Labcorp
Classification: Benign. Last evaluated: 2018-10-17. Review status: criteria provided, single submitter. Criteria: Invitae Variant Classification Sherloc (09022015). Collection method: clinical testing. Allele origin: germline.

Breakthrough Genomics
Classification: Benign. Review status: criteria provided, single submitter. Criteria: ACMG Guidelines, 2015. Collection method: not provided. Allele origin: germline. Inheritance: Unknown mechanism. Affected: yes.

PreventionGenetics, part of Exact Sciences
Classification: Benign for MYO16-related condition. Last evaluated: 2019-08-12. Review status: no assertion criteria provided. Collection method: clinical testing. Allele origin: germline. Not counted in ClinVar's aggregate classification.
Comment: This variant is classified as benign based on ACMG/AMP sequence variant interpretation guidelines (Richards et al. 2015 PMID: 25741868, with internal and published modifications).

NM_001198950.3(MYO16):c.987C>T (p.Ala329=)

Gene: MYO16 (myosin XVI; plus strand). Cytogenetic location: 13q33.3.
Variant type: single nucleotide variant.
Coding change: c.987C>T on transcript NM_001198950.3 (MANE Select); coding-DNA position 987, C replaced by T.
Protein change: p.Ala329=; no amino-acid change (alanine 329 retained).
Molecular consequence: synonymous variant.
Genome position (GRCh38, 1-based): chr13:108,823,168, C>T. VCF-style: chr13-108823168-C-T. GRCh37 (hg19) VCF-style: chr13-109475516-C-T.
Other names: c.921C>T, p.Ala307= (NM_015011.3).
Identifiers: ClinVar variation 791328 (VCV000791328.6), dbSNP rs141603684, ClinGen allele CA7044576.